The following is an entry in ClinVar:

ClinVar aggregate classification (germline): Uncertain significance (1 of 4 stars; one submission).

Conditions:
Partial hypoxanthine-guanine phosphoribosyltransferase deficiency. Also called: HPRT1 DEFICIENCY, PARTIAL; HPRT DEFICIENCY, PARTIAL; Kelley-Seegmiller Syndrome; HYPOXANTHINE GUANINE PHOSPHORIBOSYLTRANSFERASE 1 DEFICIENCY, PARTIAL; GOUT, HPRT-RELATED. Identifiers: Orphanet 79233, MedGen C0268117, MONDO:0010299, OMIM 300323.
Lesch-Nyhan syndrome (LNS). Also called: HPRT DEFICIENCY, COMPLETE; Lesch-Nyhan Disease (LND). Identifiers: Orphanet 510, MedGen C0023374, MONDO:0010298, OMIM 300322.

Submission:

Labcorp Genetics (formerly Invitae), Labcorp
Classification: Uncertain significance for Lesch-Nyhan syndrome; Partial hypoxanthine-guanine phosphoribosyltransferase deficiency. Last evaluated: 2022-01-17. Review status: criteria provided, single submitter. Criteria: Invitae Variant Classification Sherloc (09022015). Collection method: clinical testing. Allele origin: germline.
Comment: In summary, the available evidence is currently insufficient to determine the role of this variant in disease. Therefore, it has been classified as a Variant of Uncertain Significance. This variant disrupts the p.Glu47 amino acid residue in HPRT1. Other variant(s) that disrupt this residue have been observed in individuals with HPRT1-related conditions (PMID: 11018746), which suggests that this may be a clinically significant amino acid residue. Algorithms developed to predict the effect of missense changes on protein structure and function (SIFT, PolyPhen-2, Align-GVGD) all suggest that this variant is likely to be tolerated. This variant has not been reported in the literature in individuals affected with HPRT1-related conditions. This variant is not present in population databases (gnomAD no frequency). This sequence change replaces glutamic acid, which is acidic and polar, with glutamine, which is neutral and polar, at codon 47 of the HPRT1 protein (p.Glu47Gln).

Literature cited by the submitters: PubMed 11018746.

NM_000194.3(HPRT1):c.139G>C (p.Glu47Gln)

Gene: HPRT1 (hypoxanthine phosphoribosyltransferase 1; plus strand). Cytogenetic location: Xq26.2.
Variant type: single nucleotide variant.
Coding change: c.139G>C on transcript NM_000194.3 (MANE Select); coding-DNA position 139, G replaced by C.
Protein change: p.Glu47Gln; replaces glutamic acid 47 with glutamine.
Molecular consequence: missense variant.
Genome position (GRCh38, 1-based): chrX:134,475,185, G>C. VCF-style: chrX-134475185-G-C. GRCh37 (hg19) VCF-style: chrX-133609215-G-C.
Other names: short protein forms E47Q.
Identifiers: ClinVar variation 2044061 (VCV002044061.4), dbSNP rs2520785048, ClinGen allele CA414711846.